The following is an entry in ClinVar:

NM_018451.5(CPAP):c.3415G>T (p.Glu1139Ter)

Genes: CPAP (centrosome assembly and centriole elongation protein; minus strand), RNF17 (ring finger protein 17; plus strand). Cytogenetic location: 13q12.12.
Variant type: single nucleotide variant.
Coding change: c.3415G>T on transcript NM_018451.5 (MANE Select); coding-DNA position 3415, G replaced by T.
Protein change: p.Glu1139Ter; replaces glutamic acid 1139 with a stop codon.
Molecular consequence: nonsense. On other transcripts: non-coding transcript variant (2).
Genome position (GRCh38, 1-based): chr13:24,885,338, C>A on the plus strand (G>T on the coding strand, the complement: CPAP is on the minus strand). VCF-style: chr13-24885338-C-A. GRCh37 (hg19) VCF-style: chr13-25459476-C-A.
Other names: short protein forms E1139*.
Identifiers: ClinVar variation 4850004 (VCV004850004.1).

ClinVar aggregate classification (germline): Likely pathogenic (1 of 4 stars; one submission).

Conditions:
Microcephaly 6, primary, autosomal recessive. Identifiers: Orphanet 2512, MedGen C1842109, MONDO:0012029, OMIM 608393.

gnomAD v4.1: 4 of 1,613,854 alleles (0.00025%); highest among the groups gnomAD compares: Admixed American, 0.0033%; no homozygotes.

Submission:

Variantyx, Inc.
Classification: Likely pathogenic for Microcephaly 6, primary, autosomal recessive. Last evaluated: 2025-11-04. Review status: criteria provided, single submitter. Criteria: Variantyx Assertion Criteria 2022. Collection method: clinical testing. Allele origin: germline. Inheritance: Autosomal recessive inheritance. Affected: no.
Comment: This is a nonsense variant in the CPAP gene (OMIM: 609279). Pathogenic variants in this gene have been associated with autosomal recessive primary microcephaly 6. This variant introduces a premature termination codon in exon 13 out of 17 and is expected to result in loss of function, which is a known disease mechanism for CPAP in this disorder (PMID: 15793586, 2052243, 16900296) (PVS1). This variant has a 0.0033% maximum allele frequency in non-founder control populations (PM2). It has not been reported in individuals with CPAP-related disorders in the databases available for review. Based on the current evidence, this variant is classified as likely pathogenic for autosomal recessive primary microcephaly 6.

Literature cited by the submitters: PubMed 15793586; PubMed 2052243; PubMed 16900296.